The following is an entry in ClinVar:

NM_198282.4(STING1):c.1061C>A (p.Thr354Asn)

Gene: STING1 (stimulator of interferon response cGAMP interactor 1; minus strand). Cytogenetic location: 5q31.2.
Variant type: single nucleotide variant.
Coding change: c.1061C>A on transcript NM_198282.4 (MANE Select); coding-DNA position 1061, C replaced by A.
Protein change: p.Thr354Asn; replaces threonine 354 with asparagine.
Molecular consequence: missense variant. On other transcripts: 3 prime UTR variant (1).
Genome position (GRCh38, 1-based): chr5:139,476,340, G>T on the plus strand (C>A on the coding strand, the complement: STING1 is on the minus strand). VCF-style: chr5-139476340-G-T. GRCh37 (hg19) VCF-style: chr5-138855925-G-T.
Other names: c.*22C>A (NM_001301738.2); c.704C>A, p.Thr235Asn (NM_001367258.1); short protein forms T354N, T235N.
Identifiers: ClinVar variation 2894856 (VCV002894856.2), dbSNP rs1047355852, ClinGen allele CA128747804.

ClinVar aggregate classification (germline): Uncertain significance (1 of 4 stars; one submission).

Conditions:
STING-associated vasculopathy with onset in infancy. Also called: Sting-associated vasculopathy, infantile-onset. Identifiers: Orphanet 425120, MedGen C4014722, MONDO:0014405, OMIM 615934.

Allele frequency attached by ClinVar (database versions not stated): gnomAD 0.00002.
gnomAD v4.1: 40 of 1,612,418 alleles (0.0025%); highest among the groups gnomAD compares: Non-Finnish European, 0.0031%; no homozygotes.

Submission:

Labcorp Genetics (formerly Invitae), Labcorp
Classification: Uncertain significance for STING-associated vasculopathy with onset in infancy. Last evaluated: 2024-09-23. Review status: criteria provided, single submitter. Criteria: Invitae Variant Classification Sherloc (09022015). Collection method: clinical testing. Allele origin: germline.
Comment: This sequence change replaces threonine, which is neutral and polar, with asparagine, which is neutral and polar, at codon 354 of the TMEM173 protein (p.Thr354Asn). This variant is present in population databases (no rsID available, gnomAD 0.01%). This variant has not been reported in the literature in individuals affected with TMEM173-related conditions. An algorithm developed to predict the effect of missense changes on protein structure and function (PolyPhen-2) suggests that this variant¬¨‚Ä†is likely to be tolerated. In summary, the available evidence is currently insufficient to determine the role of this variant in disease. Therefore, it has been classified as a Variant of Uncertain Significance.